The following is an entry in ClinVar:

NM_032801.5(JAM3):c.843-7_843-5del

Gene: JAM3 (junctional adhesion molecule 3; plus strand). Cytogenetic location: 11q25.
Variant type: Microsatellite.
Coding change: c.843-7_843-5del on transcript NM_032801.5 (MANE Select); 7 bases into the intron before coding-DNA position 843 through 5 bases into the intron before coding-DNA position 843, 3 bases deleted (CTC; older notation c.843-7_843-5delCTC).
Molecular consequence: intron variant.
Genome position (GRCh38, 1-based): chr11:134,148,757-134,148,759, CTC deleted; deleting any 3 consecutive bases within chr11:134,148,754-134,148,759 gives the same sequence; the c. name uses the placement nearest the transcript's 3' end. VCF-style (leftmost placement, unchanged base first): chr11-134148753-TCTC-T. GRCh37 (hg19) VCF-style: chr11-134018648-TCTC-T.
Other names: c.843-7_843-5delCTC (NM_032801.4); c.690-7_690-5del (NM_001205329.2).
Identifiers: ClinVar variation 2195881 (VCV002195881.5), dbSNP rs765181788, ClinGen allele CA6370236.

ClinVar aggregate classification (germline): Likely benign. Review status: criteria provided, single submitter (1 of 4 stars). 2 submissions from 2 submitters: Likely benign (1). 1 of the submissions does not count toward it. Last evaluated 2025-06-17.

Conditions:
JAM3-related disorder. Also called: JAM3-related condition.

Submissions (2):

Labcorp Genetics (formerly Invitae), Labcorp
Classification: Likely benign. Last evaluated: 2025-06-17. Review status: criteria provided, single submitter. Criteria: Invitae Variant Classification Sherloc (09022015). Collection method: clinical testing. Allele origin: germline.

PreventionGenetics, part of Exact Sciences
Classification: Likely benign for JAM3-related condition. Last evaluated: 2024-06-10. Review status: no assertion criteria provided. Collection method: clinical testing. Allele origin: germline. Not counted in ClinVar's aggregate classification.
Comment: This variant is classified as likely benign based on ACMG/AMP sequence variant interpretation guidelines (Richards et al. 2015 PMID: 25741868, with internal and published modifications).